The following is an entry in ClinVar:

NM_002076.4(GNS):c.1200+1G>T

Gene: GNS (glucosamine (N-acetyl)-6-sulfatase; minus strand). Cytogenetic location: 12q14.3.
Variant type: single nucleotide variant.
Coding change: c.1200+1G>T on transcript NM_002076.4 (MANE Select); the canonical splice donor site of the intron after coding-DNA position 1200, G replaced by T.
Molecular consequence: splice donor variant.
Genome position (GRCh38, 1-based): chr12:64,728,955, C>A on the plus strand (G>T on the coding strand, the complement: GNS is on the minus strand). VCF-style: chr12-64728955-C-A. GRCh37 (hg19) VCF-style: chr12-65122735-C-A.
Identifiers: ClinVar variation 2102240 (VCV002102240.5), dbSNP rs2539510674, ClinGen allele CA385604091.

ClinVar aggregate classification (germline): Likely pathogenic. Review status: criteria provided, multiple submitters, no conflicts (2 of 4 stars). 2 submissions from 2 submitters: Likely pathogenic (2). Last evaluated 2022-08-05.

Conditions:
Mucopolysaccharidosis, MPS-III-D (MPS3D). Also called: N-ACETYLGLUCOSAMINE-6-SULFATASE DEFICIENCY; SANFILIPPO SYNDROME D; MPS III D; Mucopoly-saccharidosis type 3D; N-acetylglucosamine-6-sulfate sulfatase deficiency; MPS 3D. Identifiers: Orphanet 581, Orphanet 79272, MedGen C0086650, MONDO:0009658, OMIM 252940.

Submissions (2):

Labcorp Genetics (formerly Invitae), Labcorp
Classification: Likely pathogenic for Mucopolysaccharidosis, MPS-III-D. Last evaluated: 2022-08-05. Review status: criteria provided, single submitter. Criteria: Invitae Variant Classification Sherloc (09022015). Collection method: clinical testing. Allele origin: germline.
Comment: In summary, the currently available evidence indicates that the variant is pathogenic, but additional data are needed to prove that conclusively. Therefore, this variant has been classified as Likely Pathogenic. Algorithms developed to predict the effect of sequence changes on RNA splicing suggest that this variant may disrupt the consensus splice site. This variant has not been reported in the literature in individuals affected with GNS-related conditions. This variant is not present in population databases (gnomAD no frequency). This sequence change affects a donor splice site in intron 10 of the GNS gene. It is expected to disrupt RNA splicing. Variants that disrupt the donor or acceptor splice site typically lead to a loss of protein function (PMID: 16199547), and loss-of-function variants in GNS are known to be pathogenic (PMID: 20232353).

Institute of Human Genetics, University Hospital of Duesseldorf
Classification: Likely pathogenic for Mucopolysaccharidosis, MPS-III-D. Review status: criteria provided, single submitter. Criteria: ACMG Guidelines, 2015. Collection method: not provided. Allele origin: germline. Inheritance: Autosomal recessive inheritance. Affected: yes.

Literature cited by the submitters: PubMed 16199547 (cited by Labcorp Genetics (formerly Invitae), Labcorp); PubMed 20232353 (cited by Labcorp Genetics (formerly Invitae), Labcorp).